The following is an entry in ClinVar:

ClinVar aggregate classification (germline): Uncertain significance (1 of 4 stars; one submission).

Conditions:
Peroxisome biogenesis disorder 2B (PBD2B). Identifiers: Orphanet 44, MedGen C3550234, MONDO:0008736, OMIM 202370.

Submission:

Labcorp Genetics (formerly Invitae), Labcorp
Classification: Uncertain significance for Peroxisome biogenesis disorder 2B. Last evaluated: 2023-07-17. Review status: criteria provided, single submitter. Criteria: Invitae Variant Classification Sherloc (09022015). Collection method: clinical testing. Allele origin: germline.
Comment: This sequence change replaces aspartic acid, which is acidic and polar, with valine, which is neutral and non-polar, at codon 86 of the PEX5 protein (p.Asp86Val). This variant is not present in population databases (gnomAD no frequency). This variant has not been reported in the literature in individuals affected with PEX5-related conditions. ClinVar contains an entry for this variant (Variation ID: 2014796). An algorithm developed to predict the effect of missense changes on protein structure and function (PolyPhen-2) suggests that this variant is likely to be tolerated. In summary, the available evidence is currently insufficient to determine the role of this variant in disease. Therefore, it has been classified as a Variant of Uncertain Significance.

NM_001351132.2(PEX5):c.257A>T (p.Asp86Val)

Gene: PEX5 (peroxisomal biogenesis factor 5; plus strand). Cytogenetic location: 12p13.31.
Variant type: single nucleotide variant.
Coding change: c.257A>T on transcript NM_001351132.2 (MANE Select); coding-DNA position 257, A replaced by T.
Protein change: p.Asp86Val; replaces aspartic acid 86 with valine.
Molecular consequence: missense variant.
Genome position (GRCh38, 1-based): chr12:7,191,299, A>T. VCF-style: chr12-7191299-A-T. GRCh37 (hg19) VCF-style: chr12-7343895-A-T.
Other names: c.257A>T, p.Asp86Val (NM_000319.5, NM_001131024.2, NM_001131025.2 and 19 more transcripts); c.302A>T, p.Asp101Val (NM_001131023.2, NM_001351135.3, NM_001351138.2); short protein forms D101V, D86V.
Identifiers: ClinVar variation 2014796 (VCV002014796.4), dbSNP rs2539832446, ClinGen allele CA383711222.